The following is an entry in ClinVar:

ClinVar aggregate classification (germline): Uncertain significance (1 of 4 stars; one submission).

Submission:

Labcorp Genetics (formerly Invitae), Labcorp
Classification: Uncertain significance. Last evaluated: 2023-04-14. Review status: criteria provided, single submitter. Criteria: Invitae Variant Classification Sherloc (09022015). Collection method: clinical testing. Allele origin: germline.
Comment: Advanced modeling of protein sequence and biophysical properties (such as structural, functional, and spatial information, amino acid conservation, physicochemical variation, residue mobility, and thermodynamic stability) performed at Invitae indicates that this missense variant is expected to disrupt DEAF1 protein function. This variant has not been reported in the literature in individuals affected with DEAF1-related conditions. This variant is not present in population databases (gnomAD no frequency). This sequence change replaces proline, which is neutral and non-polar, with leucine, which is neutral and non-polar, at codon 326 of the DEAF1 protein (p.Pro326Leu). In summary, the available evidence is currently insufficient to determine the role of this variant in disease. Therefore, it has been classified as a Variant of Uncertain Significance.

NM_021008.4(DEAF1):c.977C>T (p.Pro326Leu)

Gene: DEAF1 (DEAF1 transcription factor; minus strand). Cytogenetic location: 11p15.5.
Variant type: single nucleotide variant.
Coding change: c.977C>T on transcript NM_021008.4 (MANE Select); coding-DNA position 977, C replaced by T.
Protein change: p.Pro326Leu; replaces proline 326 with leucine.
Molecular consequence: missense variant. On other transcripts: intron variant (1).
Genome position (GRCh38, 1-based): chr11:680,983, G>A on the plus strand (C>T on the coding strand, the complement: DEAF1 is on the minus strand). VCF-style: chr11-680983-G-A. GRCh37 (hg19) VCF-style: chr11-680983-G-A.
Other names: c.251C>T, p.Pro84Leu (NM_001367390.1, NM_001440885.1, NM_001440886.1 and 1 more transcripts); c.977C>T, p.Pro326Leu (NM_001440883.1, NM_001440884.1); c.731-1167C>T (NM_001293634.2); short protein forms P326L, P84L.
Identifiers: ClinVar variation 2853765 (VCV002853765.3), dbSNP rs2494417542, ClinGen allele CA378927903.
Genomic context (GRCh38, chr11:680,983, plus strand): 5'-GTCCCCTCAGTAAACTAGAGCTGTGTTTTCTCAAACTCACAGGTGGTAGCCGCGGTGGCT[G>A]GAAGCAATGTGATGTTCTTGGGGGAGTCCTTCTTCACGGGAGTTGTGGGCAGTTCATTCT-3'
Protein context (NP_066288.2, residues 316-336): KDSPKNITLL[Pro326Leu]ATAATTFTVT